The following is an entry in ClinVar:

NM_000532.5(PCCB):c.223del (p.Asp75fs)

Gene: PCCB (propionyl-CoA carboxylase subunit beta; plus strand). Cytogenetic location: 3q22.3.
Variant type: Deletion.
Coding change: c.223del on transcript NM_000532.5 (MANE Select); coding-DNA position 223, one base deleted (G; older notation c.223delG).
Protein change: p.Asp75fs; shifts the reading frame from aspartic acid 75.
Molecular consequence: frameshift variant.
Genome position (GRCh38, 1-based): chr3:136,255,895, G deleted; the last of 2 consecutive G bases (chr3:136,255,894-136,255,895); deleting either gives the same sequence. VCF-style (leftmost placement, unchanged base first): chr3-136255893-TG-T. GRCh37 (hg19) VCF-style: chr3-135974735-TG-T.
Other names: c.223del, p.Asp75fs (NM_001178014.2); short protein forms D75fs.
Identifiers: ClinVar variation 4059300 (VCV004059300.2).

ClinVar aggregate classification (germline): Likely pathogenic (1 of 4 stars; one submission).

Conditions:
Propionic acidemia (PROP). Also called: GLYCINEMIA, KETOTIC; HYPERGLYCINEMIA WITH KETOACIDOSIS AND LEUKOPENIA; KETOTIC HYPERGLYCINEMIA. Identifiers: Orphanet 35, MedGen C0268579, MONDO:0011628, OMIM 606054, HP:0003571.

Submission:

Natera, Inc.
Classification: Likely pathogenic for Propionic acidemia. Last evaluated: 2025-04-22. Review status: criteria provided, single submitter. Criteria: Natera Variant Classification Schema (03/2026). Collection method: clinical testing. Allele origin: germline.
Comment: The c.223del variant in PCCB is a frameshift variant predicted to shift the reading frame beginning at codon 75 and leads to a stop codon 75 codons downstream. This variant is expected to result in nonsense mediated decay, truncation, or a dysfunctional protein product. This variant is rare in the general population with a frequency below the threshold expected for the associated phenotype(s). Given the available evidence, this variant is classified as Likely Pathogenic.